The following is an entry in ClinVar:

ClinVar aggregate classification (germline): Uncertain significance (1 of 4 stars; one submission).

gnomAD v4.1: 1 of 1,613,602 alleles (0.000062%); no homozygotes.

Submission:

Labcorp Genetics (formerly Invitae), Labcorp
Classification: Uncertain significance. Last evaluated: 2022-07-04. Review status: criteria provided, single submitter. Criteria: Invitae Variant Classification Sherloc (09022015). Collection method: clinical testing. Allele origin: germline.
Comment: In summary, the available evidence is currently insufficient to determine the role of this variant in disease. Therefore, it has been classified as a Variant of Uncertain Significance. Algorithms developed to predict the effect of missense changes on protein structure and function output the following: SIFT: "Tolerated"; PolyPhen-2: "Benign"; Align-GVGD: "Class C0". The proline amino acid residue is found in multiple mammalian species, which suggests that this missense change does not adversely affect protein function. This variant has not been reported in the literature in individuals affected with NEUROG3-related conditions. This variant is not present in population databases (gnomAD no frequency). This sequence change replaces serine, which is neutral and polar, with proline, which is neutral and non-polar, at codon 20 of the NEUROG3 protein (p.Ser20Pro).

NM_020999.4(NEUROG3):c.58T>C (p.Ser20Pro)

Gene: NEUROG3 (neurogenin 3; minus strand). Cytogenetic location: 10q22.1.
Variant type: single nucleotide variant.
Coding change: c.58T>C on transcript NM_020999.4 (MANE Select); coding-DNA position 58, T replaced by C.
Protein change: p.Ser20Pro; replaces serine 20 with proline.
Molecular consequence: missense variant.
Genome position (GRCh38, 1-based): chr10:69,572,986, A>G on the plus strand (T>C on the coding strand, the complement: NEUROG3 is on the minus strand). VCF-style: chr10-69572986-A-G. GRCh37 (hg19) VCF-style: chr10-71332742-A-G.
Other names: short protein forms S20P.
Identifiers: ClinVar variation 2013992 (VCV002013992.4), dbSNP rs2540710627, ClinGen allele CA376923273.